The following is an entry in ClinVar:

ClinVar aggregate classification (germline): Uncertain significance. Review status: criteria provided, multiple submitters, no conflicts (2 of 4 stars). 7 submissions from 7 submitters: Uncertain significance (6). 1 of the submissions does not count toward it. Last evaluated 2025-10-20.

Conditions:
Finnish congenital nephrotic syndrome (NPHS1). Also called: NEPHROTIC SYNDROME, TYPE 1. Identifiers: Orphanet 839, MedGen C0403399, MONDO:0009732, OMIM 256300.

gnomAD v4.1: 155 of 1,613,828 alleles (0.0096%); highest among the groups gnomAD compares: Middle Eastern, 0.05%; no homozygotes.

Submissions (7):

Women's Health and Genetics/Laboratory Corporation of America, LabCorp
Classification: Uncertain significance. Last evaluated: 2025-10-20. Review status: criteria provided, single submitter. Criteria: LabCorp Variant Classification Summary - May 2015. Collection method: clinical testing. Allele origin: germline.
Comment: Variant summary: NPHS1 c.3418C>T (p.Arg1140Cys) results in a non-conservative amino acid change in the encoded protein sequence. Algorithms developed to predict the effect of missense changes on protein structure and function are either unavailable or do not agree on the potential impact of this missense change. The variant allele was found at a frequency of 0.0001 in 251274 control chromosomes. This frequency is not significantly higher than estimated for disease-causing variants in NPHS1, allowing no conclusion about variant significance. c.3418C>T has been reported in the literature in individuals with clinical features of NPHS1-related conditions, however no supportive evidence for causality was provided (e.g. Lenkkeri_1999, Schoeb_2010, Gast_2016). These reports do not provide unequivocal conclusions about association of the variant with Nephrotic Syndrome, Type 1. Publications also reports experimental evidence evaluating an impact on protein function and demonstrated proper cell surface localization for the variant protein (e.g. Liu_2001, Miyai_2014), these data suggest that the variant doesn't substantially affect NPHS1 function, but do not provide unequivocal conclusions about the variant effect. The following publications have been ascertained in the context of this evaluation (PMID: 26346198, 9915943, 11726550, 24142548, 20172850, 20507940, 26990548, 27019444, 11317351, 34426522, 31589614, 24948143, 31152064, 37372416, 15496146, 10820162, 12631336). ClinVar contains an entry for this variant (Variation ID: 56500). Based on the evidence outlined above, the variant was classified as uncertain significance.

Blueprint Genetics
Classification: Uncertain significance. Last evaluated: 2024-08-30. Review status: criteria provided, single submitter. Criteria: ACMG Guidelines, 2015. Collection method: clinical testing. Allele origin: germline.

Department of Pathology and Laboratory Medicine, Sinai Health System
Classification: Uncertain significance for Finnish congenital nephrotic syndrome. Last evaluated: 2023-03-30. Review status: criteria provided, single submitter. Criteria: ACMG Guidelines, 2015. Collection method: research. Allele origin: germline.

Fulgent Genetics
Classification: Uncertain significance for Finnish congenital nephrotic syndrome. Last evaluated: 2022-05-10. Review status: criteria provided, single submitter. Criteria: ACMG Guidelines, 2015. Collection method: clinical testing. Allele origin: unknown.

Labcorp Genetics (formerly Invitae), Labcorp
Classification: Uncertain significance. Last evaluated: 2022-01-03. Review status: criteria provided, single submitter. Criteria: Invitae Variant Classification Sherloc (09022015). Collection method: clinical testing. Allele origin: germline.
Comment: This sequence change replaces arginine, which is basic and polar, with cysteine, which is neutral and slightly polar, at codon 1140 of the NPHS1 protein (p.Arg1140Cys). This variant is present in population databases (rs143092783, gnomAD 0.02%). This missense change has been observed in individual(s) with clinical features of NPHS1-related conditions (PMID: 9915943, 26346198). ClinVar contains an entry for this variant (Variation ID: 56500). Algorithms developed to predict the effect of missense changes on protein structure and function are either unavailable or do not agree on the potential impact of this missense change (SIFT: "Deleterious"; PolyPhen-2: "Benign"; Align-GVGD: "Class C0"). Experimental studies have shown that this missense change does not substantially affect NPHS1 function (PMID: 11726550, 24142548). In summary, the available evidence is currently insufficient to determine the role of this variant in disease. Therefore, it has been classified as a Variant of Uncertain Significance.

Myriad Genetics, Inc.
Classification: Uncertain significance for Finnish congenital nephrotic syndrome. Last evaluated: 2021-10-01. Review status: criteria provided, single submitter. Criteria: Myriad Women's Health Autosomal Recessive and X-Linked Classification Criteria (2021). Collection method: clinical testing. Allele origin: unknown.
Comment: NM_004646.3(NPHS1):c.3418C>T(R1140C) is a missense variant classified as a variant of uncertain significance in the context of nephrotic syndrome, NPHS1-related. R1140C has been observed in cases with relevant disease (PMID: 26346198, 20172850, 9915943). Functional assessments of this variant are available in the literature (PMID: 24142548, 15496146, 11726550). R1140C has been observed in population frequency databases (gnomAD NFE 0.02%). In summary, there is insufficient evidence to classify NM_004646.3(NPHS1):c.3418C>T(R1140C) as pathogenic or benign. Please note: this variant was assessed in the context of healthy population screening.

Juha Muilu Group; Institute for Molecular Medicine Finland (FIMM)
Classification: Likely pathogenic for Finnish congenital nephrotic syndrome. Review status: no assertion criteria provided. Collection method: not provided. Allele origin: unknown. Not counted in ClinVar's aggregate classification.
Comment: FinDis database variant: This variant was not found or characterized by our laboratory, data were collected from public sources: see reference
ClinVar note: Converted during submission from probable-pathogenic to Likely pathogenic.

Literature cited by the submitters: PubMed 11726550 (cited by 3 submitters); PubMed 20507940 (cited by Women's Health and Genetics/Laboratory Corporation of America, LabCorp); PubMed 9915943 (cited by 3 submitters); PubMed 27019444 (cited by Women's Health and Genetics/Laboratory Corporation of America, LabCorp); PubMed 26346198 (cited by 3 submitters); PubMed 26990548 (cited by Women's Health and Genetics/Laboratory Corporation of America, LabCorp); PubMed 24142548 (cited by 3 submitters); PubMed 11317351 (cited by Women's Health and Genetics/Laboratory Corporation of America, LabCorp); PubMed 20172850 (cited by Women's Health and Genetics/Laboratory Corporation of America, LabCorp and Myriad Genetics, Inc.); PubMed 15496146 (cited by Women's Health and Genetics/Laboratory Corporation of America, LabCorp and Myriad Genetics, Inc.); PubMed 31589614 (cited by Women's Health and Genetics/Laboratory Corporation of America, LabCorp); PubMed 24948143 (cited by Women's Health and Genetics/Laboratory Corporation of America, LabCorp); PubMed 34426522 (cited by Women's Health and Genetics/Laboratory Corporation of America, LabCorp); PubMed 37372416 (cited by Women's Health and Genetics/Laboratory Corporation of America, LabCorp); PubMed 10820162 (cited by Women's Health and Genetics/Laboratory Corporation of America, LabCorp); PubMed 12631336 (cited by Women's Health and Genetics/Laboratory Corporation of America, LabCorp); PubMed 31152064 (cited by Women's Health and Genetics/Laboratory Corporation of America, LabCorp).

NM_004646.4(NPHS1):c.3418C>T (p.Arg1140Cys)

Gene: NPHS1 (NPHS1 adhesion molecule, nephrin; minus strand). Cytogenetic location: 19q13.12.
Variant type: single nucleotide variant.
Coding change: c.3418C>T on transcript NM_004646.4 (MANE Select); coding-DNA position 3418, C replaced by T.
Protein change: p.Arg1140Cys; replaces arginine 1140 with cysteine.
Molecular consequence: missense variant.
Genome position (GRCh38, 1-based): chr19:35,831,116, G>A on the plus strand (C>T on the coding strand, the complement: NPHS1 is on the minus strand). VCF-style: chr19-35831116-G-A. GRCh37 (hg19) VCF-style: chr19-36322018-G-A.
Other names: short protein forms R1140C.
Identifiers: ClinVar variation 56500 (VCV000056500.11), dbSNP rs143092783, ClinGen allele CA250229.